The following is an entry in ClinVar:

ClinVar aggregate classification (germline): Uncertain significance (1 of 4 stars; one submission).

Conditions:
Hereditary cancer-predisposing syndrome. Also called: Neoplastic Syndromes, Hereditary; Tumor predisposition; Hereditary Cancer Syndrome; Hereditary neoplastic syndrome. Identifiers: Orphanet 140162, MedGen C0027672, MeSH D009386, MONDO:0015356.

Submission:

Ambry Genetics
Classification: Uncertain significance for Hereditary cancer-predisposing syndrome. Last evaluated: 2026-01-21. Review status: criteria provided, single submitter. Criteria: Ambry Variant Classification Scheme 2023. Collection method: clinical testing. Allele origin: germline.
Comment: The p.Q1260R variant (also known as c.3779A>G), located in coding exon 15 of the APC gene, results from an A to G substitution at nucleotide position 3779. The glutamine at codon 1260 is replaced by arginine, an amino acid with highly similar properties. This amino acid position is highly conserved in available vertebrate species. In addition, in silico predictors for this gene do not accurately predict pathogenicity. Missense variants in APC are not a common cause of disease (Spier I et al. Genet Med. 2024 Feb;26(2):100992). Based on the available evidence, the clinical significance of this variant remains unclear.

NM_000038.6(APC):c.3779A>G (p.Gln1260Arg)

Gene: APC (APC regulator of Wnt signaling pathway; plus strand). Cytogenetic location: 5q22.2.
Variant type: single nucleotide variant.
Coding change: c.3779A>G on transcript NM_000038.6 (MANE Select); coding-DNA position 3779, A replaced by G.
Protein change: p.Gln1260Arg; replaces glutamine 1260 with arginine.
Molecular consequence: missense variant. On other transcripts: non-coding transcript variant (2).
Genome position (GRCh38, 1-based): chr5:112,839,373, A>G. VCF-style: chr5-112839373-A-G. GRCh37 (hg19) VCF-style: chr5-112175070-A-G.
Other names: c.3779A>G, p.Gln1260Arg (NM_001127510.3, NM_001354895.2, NM_001407450.1); c.3725A>G, p.Gln1242Arg (NM_001127511.3); c.3833A>G, p.Gln1278Arg (NM_001354896.2, NM_001407447.1, NM_001407448.1 and 1 more transcripts); c.3809A>G, p.Gln1270Arg (NM_001354897.2); c.3704A>G, p.Gln1235Arg (NM_001354898.2); c.3695A>G, p.Gln1232Arg (NM_001354899.2); c.3656A>G, p.Gln1219Arg (NM_001354900.2); c.3602A>G, p.Gln1201Arg (NM_001354901.2, NM_001407453.1); and 11 more; short protein forms Q1177R, Q1242R, Q1260R, Q1100R, Q1201R, Q1253R, Q1270R, Q1131R.
Identifiers: ClinVar variation 4825028 (VCV004825028.1).